The following is an entry in ClinVar:

NM_000260.4(MYO7A):c.2282+1G>A

Gene: MYO7A (myosin VIIA; plus strand). Cytogenetic location: 11q13.5.
Variant type: single nucleotide variant.
Coding change: c.2282+1G>A on transcript NM_000260.4 (MANE Select); the canonical splice donor site of the intron after coding-DNA position 2282, G replaced by A.
Molecular consequence: splice donor variant.
Genome position (GRCh38, 1-based): chr11:77,177,644, G>A. VCF-style: chr11-77177644-G-A. GRCh37 (hg19) VCF-style: chr11-76888690-G-A.
Other names: c.2249+1G>A (NM_001369365.1); c.2282+1G>A (NM_001127180.2).
Identifiers: ClinVar variation 2048701 (VCV002048701.5), dbSNP rs1565397890, ClinGen allele CA381940662.

ClinVar aggregate classification (germline): Pathogenic. Review status: criteria provided, multiple submitters, no conflicts (2 of 4 stars). 2 submissions from 2 submitters: Pathogenic (2). Last evaluated 2026-07-28.

Conditions:
Usher syndrome type 1 (USH1). Also called: RETINITIS PIGMENTOSA AND CONGENITAL DEAFNESS. Identifiers: Orphanet 231169, Orphanet 886, MedGen C1568247, MONDO:0010168, OMIM 276900.

Allele frequency attached by ClinVar (database versions not stated): TOPMed below 0.00001.
gnomAD v4.1: 1 of 1,606,178 alleles (0.000062%); no homozygotes.

Submissions (2):

Myriad Genetics, Inc.
Classification: Pathogenic for Usher syndrome type 1. Last evaluated: 2026-07-28. Review status: criteria provided, single submitter. Criteria: Myriad Autosomal Dominant, Autosomal Recessive and X-Linked Classification Criteria (2023). Collection method: clinical testing. Allele origin: unknown.
Comment: NM_000260.3(MYO7A):c.2282+1G>A is a variant in a canonical splice site classified as pathogenic in the context of MYO7A-related disorders. c.2282+1G>A has been observed in a case with relevant disease (PMID: 36785559). Relevant functional assessments of this variant are not available in the literature. c.2282+1G>A has not been observed in referenced population frequency databases. In summary, NM_000260.3(MYO7A):c.2282+1G>A is a variant in a canonical splice site in a gene where loss of function is a known mechanism of disease, is predicted to disrupt protein function, and has been observed more frequently in cases with the relevant disease than in healthy populations. Please note: this variant was assessed in the context of healthy population screening.

Labcorp Genetics (formerly Invitae), Labcorp
Classification: Pathogenic. Last evaluated: 2022-10-07. Review status: criteria provided, single submitter. Criteria: Invitae Variant Classification Sherloc (09022015). Collection method: clinical testing. Allele origin: germline.
Comment: This sequence change affects a donor splice site in intron 19 of the MYO7A gene. It is expected to disrupt RNA splicing. Variants that disrupt the donor or acceptor splice site typically lead to a loss of protein function (PMID: 16199547), and loss-of-function variants in MYO7A are known to be pathogenic (PMID: 8900236, 25404053). This variant is not present in population databases (gnomAD no frequency). Disruption of this splice site has been observed in individual(s) with clinical features of Usher syndrome (Invitae). Algorithms developed to predict the effect of sequence changes on RNA splicing suggest that this variant may disrupt the consensus splice site. For these reasons, this variant has been classified as Pathogenic.

Literature cited by the submitters: PubMed 36785559 (cited by Myriad Genetics, Inc.); PubMed 16199547 (cited by Labcorp Genetics (formerly Invitae), Labcorp); PubMed 8900236 (cited by Labcorp Genetics (formerly Invitae), Labcorp); PubMed 25404053 (cited by Labcorp Genetics (formerly Invitae), Labcorp).